The following is an entry in ClinVar:

ClinVar aggregate classification (germline): Uncertain significance. Review status: criteria provided, multiple submitters, no conflicts (2 of 4 stars). 2 submissions from 2 submitters: Uncertain significance (2). Last evaluated 2021-08-24.

Conditions:
Kufor-Rakeb syndrome (KRS). Also called: PARKINSON DISEASE 9, AUTOSOMAL RECESSIVE, JUVENILE-ONSET. Identifiers: Orphanet 306674, Orphanet 314632, MedGen C1847640, MONDO:0011706, OMIM 606693.
Autosomal recessive spastic paraplegia type 78. Identifiers: Orphanet 513436, MedGen C5567893, MONDO:0014975, OMIM 617225.

Allele frequency attached by ClinVar (database versions not stated): gnomAD 0.00002 and 0.00005; TOPMed 0.00002; 1000 Genomes Project 30x 0.00016; 1000 Genomes Project 0.00020.
gnomAD v4.1: 77 of 1,613,768 alleles (0.0048%); highest among the groups gnomAD compares: South Asian, 0.06%; no homozygotes.

Submissions (2):

Labcorp Genetics (formerly Invitae), Labcorp
Classification: Uncertain significance for Kufor-Rakeb syndrome; Autosomal recessive spastic paraplegia type 78. Last evaluated: 2021-08-24. Review status: criteria provided, single submitter. Criteria: Invitae Variant Classification Sherloc (09022015). Collection method: clinical testing. Allele origin: germline.
Comment: This sequence change replaces glutamic acid with alanine at codon 616 of the ATP13A2 protein (p.Glu616Ala). The glutamic acid residue is weakly conserved and there is a moderate physicochemical difference between glutamic acid and alanine. This variant is present in population databases (rs558165485, ExAC 0.05%). This variant has not been reported in the literature in individuals affected with ATP13A2-related conditions. Algorithms developed to predict the effect of missense changes on protein structure and function (SIFT, PolyPhen-2, Align-GVGD) all suggest that this variant is likely to be tolerated. In summary, the available evidence is currently insufficient to determine the role of this variant in disease. Therefore, it has been classified as a Variant of Uncertain Significance.

CeGaT Center for Human Genetics Tuebingen
Classification: Uncertain significance. Last evaluated: 2019-11-01. Review status: criteria provided, single submitter. Criteria: CeGaT Center For Human Genetics Tuebingen Variant Classification Criteria Version 2. Collection method: clinical testing. Allele origin: germline. Affected: yes. Observed: 1 variant allele.

NM_022089.4(ATP13A2):c.1847A>C (p.Glu616Ala)

Gene: ATP13A2 (ATPase cation transporting 13A2; minus strand). Cytogenetic location: 1p36.13.
Variant type: single nucleotide variant.
Coding change: c.1847A>C on transcript NM_022089.4 (MANE Select); coding-DNA position 1847, A replaced by C.
Protein change: p.Glu616Ala; replaces glutamic acid 616 with alanine.
Molecular consequence: missense variant.
Genome position (GRCh38, 1-based): chr1:16,992,401, T>G on the plus strand (A>C on the coding strand, the complement: ATP13A2 is on the minus strand). VCF-style: chr1-16992401-T-G. GRCh37 (hg19) VCF-style: chr1-17318896-T-G.
Other names: c.1832A>C, p.Glu611Ala (NM_001141973.3, NM_001141974.3); short protein forms E616A, E611A.
Identifiers: ClinVar variation 872233 (VCV000872233.42), dbSNP rs558165485, ClinGen allele CA637050.